The following is an entry in ClinVar:

NM_004171.4(SLC1A2):c.18-2A>C

Gene: SLC1A2 (solute carrier family 1 member 2; minus strand). Cytogenetic location: 11p13.
Variant type: single nucleotide variant.
Coding change: c.18-2A>C on transcript NM_004171.4 (MANE Select); the canonical splice acceptor site of the intron before coding-DNA position 18, A replaced by C.
Molecular consequence: splice acceptor variant.
Genome position (GRCh38, 1-based): chr11:35,317,518, T>G on the plus strand (A>C on the coding strand, the complement: SLC1A2 is on the minus strand). VCF-style: chr11-35317518-T-G. GRCh37 (hg19) VCF-style: chr11-35339065-T-G.
Other names: c.-10-2A>C (NM_001195728.3, NM_001252652.2).
Identifiers: ClinVar variation 2786894 (VCV002786894.3), dbSNP rs933571069, ClinGen allele CA220526236.

ClinVar aggregate classification (germline): Uncertain significance (1 of 4 stars; one submission).

Submission:

Labcorp Genetics (formerly Invitae), Labcorp
Classification: Uncertain significance. Last evaluated: 2024-01-22. Review status: criteria provided, single submitter. Criteria: Invitae Variant Classification Sherloc (09022015). Collection method: clinical testing. Allele origin: germline.
Comment: This sequence change affects an acceptor splice site in intron 1 of the SLC1A2 gene. It is expected to disrupt RNA splicing. Variants that disrupt the donor or acceptor splice site typically lead to a loss of protein function (PMID: 16199547), however the current clinical and genetic evidence is not sufficient to establish whether loss-of-function variants in SLC1A2 cause disease. This variant is not present in population databases (gnomAD no frequency). This variant has not been reported in the literature in individuals affected with SLC1A2-related conditions. Algorithms developed to predict the effect of sequence changes on RNA splicing suggest that this variant may disrupt the consensus splice site. In summary, the available evidence is currently insufficient to determine the role of this variant in disease. Therefore, it has been classified as a Variant of Uncertain Significance.

Literature cited by the submitters: PubMed 16199547.